The following is an entry in ClinVar:

ClinVar aggregate classification (germline): Likely benign (1 of 4 stars; one submission).

Submission:

CeGaT Center for Human Genetics Tuebingen
Classification: Likely benign. Last evaluated: 2022-11-01. Review status: criteria provided, single submitter. Criteria: CeGaT Center For Human Genetics Tuebingen Variant Classification Criteria Version 2. Collection method: clinical testing. Allele origin: germline. Affected: yes. Observed: 1 variant allele.
Comment: PIGG: PM2:Supporting, BP4, BP7

NM_001127178.3(PIGG):c.1228A>C (p.Arg410=)

Gene: PIGG (phosphatidylinositol glycan anchor biosynthesis class G (EMM blood group); plus strand). Cytogenetic location: 4p16.3.
Variant type: single nucleotide variant.
Coding change: c.1228A>C on transcript NM_001127178.3 (MANE Select); coding-DNA position 1228, A replaced by C.
Protein change: p.Arg410=; no amino-acid change (arginine 410 retained).
Molecular consequence: synonymous variant. On other transcripts: 5 prime UTR variant (2), non-coding transcript variant (10), intron variant (1).
Genome position (GRCh38, 1-based): chr4:521,169, A>C. VCF-style: chr4-521169-A-C. GRCh37 (hg19) VCF-style: chr4-514958-A-C.
Other names: c.961A>C, p.Arg321= (NM_001289051.2, NM_001289053.2, NM_001345986.2 and 1 more transcripts); c.829A>C, p.Arg277= (NM_001289052.2); c.862A>C, p.Arg288= (NM_001289055.2); c.199A>C, p.Arg67= (NM_001345988.2); c.1228A>C, p.Arg410= (NM_001345989.2, NM_017733.5); c.-260A>C (NM_001345990.2, NM_001345991.2); c.154A>C, p.Arg52= (NM_001345994.2); c.848-491A>C (NM_001289057.2).
Identifiers: ClinVar variation 2654528 (VCV002654528.24), dbSNP rs756834172, ClinGen allele CA438053264.